The following is an entry in ClinVar:

NM_001283009.2(RTEL1):c.2921G>A (p.Arg974Gln)

Genes: RTEL1-TNFRSF6B (RTEL1-TNFRSF6B readthrough (NMD candidate); plus strand), RTEL1 (regulator of telomere elongation helicase 1; plus strand). Cytogenetic location: 20q13.33.
Variant type: single nucleotide variant.
Coding change: c.2921G>A on transcript NM_001283009.2 (MANE Select); coding-DNA position 2921, G replaced by A.
Protein change: p.Arg974Gln; replaces arginine 974 with glutamine.
Molecular consequence: missense variant. On other transcripts: non-coding transcript variant (1).
Genome position (GRCh38, 1-based): chr20:63,693,212, G>A. VCF-style: chr20-63693212-G-A. GRCh37 (hg19) VCF-style: chr20-62324565-G-A.
Other names: c.2252G>A, p.Arg751Gln (NM_001283010.1); c.2921G>A, p.Arg974Gln (NM_016434.4); c.2993G>A, p.Arg998Gln (NM_032957.5); short protein forms R974Q, R998Q, R751Q.
Identifiers: ClinVar variation 652154 (VCV000652154.18), dbSNP rs369716125, ClinGen allele CA9965656.

ClinVar aggregate classification (germline): Conflicting classifications of pathogenicity. Review status: criteria provided, conflicting classifications (1 of 4 stars). 6 submissions from 6 submitters: Uncertain significance (3); Likely benign (2). 1 of the submissions does not count toward it. Last evaluated 2025-07-01.

Conditions:
Pulmonary fibrosis and/or bone marrow failure, Telomere-related, 3. Also called: PULMONARY FIBROSIS AND/OR BONE MARROW FAILURE SYNDROME, TELOMERE-RELATED, 3. Identifiers: Orphanet 2032, MedGen C4225346, MONDO:0014613, OMIM 616373.
Dyskeratosis congenita, autosomal recessive 5 (DKCB5). Identifiers: MedGen C3554656, MONDO:0014076, OMIM 615190.
Inborn genetic diseases. Identifiers: MedGen C0950123, MeSH D030342.
Dyskeratosis congenita. Identifiers: Orphanet 1775, MedGen C0265965, MONDO:0015780.

Allele frequency attached by ClinVar (database versions not stated): ESP Exome Variant Server 0.00008; TOPMed 0.00013; gnomAD 0.00016.
gnomAD v4.1: 97 of 1,612,010 alleles (0.006%); highest among the groups gnomAD compares: African/African-American, 0.037%; no homozygotes.

Submissions (6):

CeGaT Center for Human Genetics Tuebingen
Classification: Uncertain significance. Last evaluated: 2025-07-01. Review status: criteria provided, single submitter. Criteria: CeGaT Center For Human Genetics Tuebingen Variant Classification Criteria Version 2. Collection method: clinical testing. Allele origin: germline. Affected: yes. Observed: 1 variant allele.
Comment: RTEL1: PM2, BP4

Labcorp Genetics (formerly Invitae), Labcorp
Classification: Uncertain significance for Dyskeratosis congenita, autosomal recessive 5; Pulmonary fibrosis and/or bone marrow failure, Telomere-related, 3. Last evaluated: 2025-01-23. Review status: criteria provided, single submitter. Criteria: Invitae Variant Classification Sherloc (09022015). Collection method: clinical testing. Allele origin: germline.
Comment: This sequence change replaces arginine, which is basic and polar, with glutamine, which is neutral and polar, at codon 974 of the RTEL1 protein (p.Arg974Gln). This variant is present in population databases (rs369716125, gnomAD 0.03%). This variant has not been reported in the literature in individuals affected with RTEL1-related conditions. ClinVar contains an entry for this variant (Variation ID: 652154). An algorithm developed to predict the effect of missense changes on protein structure and function outputs the following: PolyPhen-2: "Benign". The glutamine amino acid residue is found in multiple mammalian species, which suggests that this missense change does not adversely affect protein function. In summary, the available evidence is currently insufficient to determine the role of this variant in disease. Therefore, it has been classified as a Variant of Uncertain Significance.

Ambry Genetics
Classification: Likely benign for Inborn genetic diseases. Last evaluated: 2024-02-22. Review status: criteria provided, single submitter. Criteria: Ambry Variant Classification Scheme 2023. Collection method: clinical testing. Allele origin: germline.

Blueprint Genetics
Classification: Likely benign. Last evaluated: 2024-02-20. Review status: criteria provided, single submitter. Criteria: ACMG Guidelines, 2015. Collection method: clinical testing. Allele origin: germline.

Fulgent Genetics
Classification: Uncertain significance for Dyskeratosis congenita, autosomal recessive 5; Pulmonary fibrosis and/or bone marrow failure, Telomere-related, 3. Last evaluated: 2023-12-23. Review status: criteria provided, single submitter. Criteria: ACMG Guidelines, 2015. Collection method: clinical testing. Allele origin: germline.

Natera, Inc.
Classification: Uncertain significance for Dyskeratosis congenita. Last evaluated: 2020-09-16. Review status: no assertion criteria provided. Collection method: clinical testing. Allele origin: germline. Not counted in ClinVar's aggregate classification.